The following is an entry in ClinVar:

ClinVar aggregate classification (germline): Benign. Review status: criteria provided, multiple submitters, no conflicts (2 of 4 stars). 2 submissions from 2 submitters: Benign (2). Last evaluated 2018-01-12.

Conditions:
Warburg micro syndrome 3 (WARBM3). Also called: MICRO SYNDROME 3. Identifiers: Orphanet 2510, MedGen C3280203, MONDO:0013638, OMIM 614222.

Allele frequency attached by ClinVar (database versions not stated): TOPMed 0.07559; 1000 Genomes Project 30x 0.10493; gnomAD exomes 0.09516; 1000 Genomes Project 0.10923; gnomAD 0.07264 and 0.06862; ExAC 0.12551.

Submissions (2):

Illumina Laboratory Services, Illumina
Classification: Benign for Warburg micro syndrome 3. Last evaluated: 2018-01-12. Review status: criteria provided, single submitter. Criteria: ICSL Variant Classification Criteria 13 December 2019. Collection method: clinical testing. Allele origin: germline.
Comment: This variant was observed in the ICSL laboratory as part of a predisposition screen in an ostensibly healthy population. It had not been previously curated by ICSL or reported in the Human Gene Mutation Database (HGMD: prior to June 1st, 2018), and was therefore a candidate for classification through an automated scoring system. Utilizing variant allele frequency, disease prevalence and penetrance estimates, and inheritance mode, an automated score was calculated to assess if this variant is too frequent to cause the disease. Based on the score and internal cut-off values, a variant classified as benign is not then subjected to further curation. The score for this variant resulted in a classification of benign for this disease.

Breakthrough Genomics
Classification: Benign. Review status: criteria provided, single submitter. Criteria: ACMG Guidelines, 2015. Collection method: not provided. Allele origin: germline. Inheritance: Autosomal recessive inheritance. Affected: yes.

NM_021252.5(RAB18):c.*2375A>G

Gene: RAB18 (RAB18, member RAS oncogene family; plus strand). Cytogenetic location: 10p12.1.
Variant type: single nucleotide variant.
Coding change: c.*2375A>G on transcript NM_021252.5 (MANE Select); 2375 bases downstream of the stop codon, A replaced by G.
Molecular consequence: 3 prime UTR variant. On other transcripts: non-coding transcript variant (1).
Genome position (GRCh38, 1-based): chr10:27,540,426, A>G. VCF-style: chr10-27540426-A-G. GRCh37 (hg19) VCF-style: chr10-27829355-A-G.
Other names: c.*2375A>G (NM_001256410.2, NM_001256412.2); c.*2335A>G (NM_001256411.2).
Identifiers: ClinVar variation 299854 (VCV000299854.6), dbSNP rs2477317, ClinGen allele CA5452545.